The following is an entry in ClinVar:

ClinVar aggregate classification (germline): Uncertain significance (1 of 4 stars; one submission).

Allele frequency attached by ClinVar (database versions not stated): gnomAD exomes below 0.00001; TOPMed below 0.00001; gnomAD 0.00002.
gnomAD v4.1: 4 of 1,614,030 alleles (0.00025%); highest among the groups gnomAD compares: African/African-American, 0.004%; no homozygotes.

Submission:

Labcorp Genetics (formerly Invitae), Labcorp
Classification: Uncertain significance. Last evaluated: 2022-09-06. Review status: criteria provided, single submitter. Criteria: Invitae Variant Classification Sherloc (09022015). Collection method: clinical testing. Allele origin: germline.
Comment: This sequence change replaces proline, which is neutral and non-polar, with leucine, which is neutral and non-polar, at codon 80 of the ABCA4 protein (p.Pro80Leu). This variant is not present in population databases (gnomAD no frequency). This variant has not been reported in the literature in individuals affected with ABCA4-related conditions. ClinVar contains an entry for this variant (Variation ID: 969491). Advanced modeling of protein sequence and biophysical properties (such as structural, functional, and spatial information, amino acid conservation, physicochemical variation, residue mobility, and thermodynamic stability) performed at Invitae indicates that this missense variant is expected to disrupt ABCA4 protein function. In summary, the available evidence is currently insufficient to determine the role of this variant in disease. Therefore, it has been classified as a Variant of Uncertain Significance.

NM_000350.3(ABCA4):c.239C>T (p.Pro80Leu)

Gene: ABCA4 (ATP binding cassette subfamily A member 4; minus strand). Cytogenetic location: 1p22.1.
Variant type: single nucleotide variant.
Coding change: c.239C>T on transcript NM_000350.3 (MANE Select); coding-DNA position 239, C replaced by T.
Protein change: p.Pro80Leu; replaces proline 80 with leucine.
Molecular consequence: missense variant.
Genome position (GRCh38, 1-based): chr1:94,111,501, G>A on the plus strand (C>T on the coding strand, the complement: ABCA4 is on the minus strand). VCF-style: chr1-94111501-G-A. GRCh37 (hg19) VCF-style: chr1-94577057-G-A.
Other names: c.239C>T, p.Pro80Leu (NM_001425324.1); short protein forms P80L.
Identifiers: ClinVar variation 969491 (VCV000969491.7), dbSNP rs1256178077, ClinGen allele CA341285477.